The following is an entry in ClinVar:

NM_001558.4(IL10RA):c.1399T>C (p.Ser467Pro)

Gene: IL10RA (interleukin 10 receptor subunit alpha; plus strand). Cytogenetic location: 11q23.3.
Variant type: single nucleotide variant.
Coding change: c.1399T>C on transcript NM_001558.4 (MANE Select); coding-DNA position 1399, T replaced by C.
Protein change: p.Ser467Pro; replaces serine 467 with proline.
Molecular consequence: missense variant. On other transcripts: non-coding transcript variant (1).
Genome position (GRCh38, 1-based): chr11:117,999,303, T>C. VCF-style: chr11-117999303-T-C. GRCh37 (hg19) VCF-style: chr11-117870018-T-C.
Other names: short protein forms S467P.
Identifiers: ClinVar variation 839194 (VCV000839194.9), dbSNP rs2058077626, ClinGen allele CA382781084.
Genomic context (GRCh38, chr11:117,999,303, plus strand): 5'-CTGAGGCAGACCAGATGTGCTGAAGAGAAGGCAACCAAGACAGGCTGCCTGGAGGAAGAA[T>C]CGCCCTTGACAGATGGCCTTGGCCCCAAATTCGGGAGATGCCTGGTTGATGAGGCAGGCT-3'
Protein context (NP_001549.2, residues 457-477): ATKTGCLEEE[Ser467Pro]PLTDGLGPKF

ClinVar aggregate classification (germline): Uncertain significance (1 of 4 stars; one submission).

Conditions:
Inflammatory bowel disease 28. Also called: Inflammatory bowel disease 28, early onset, autosomal recessive. Identifiers: Orphanet 238569, MedGen C2751053, MONDO:0013153, OMIM 613148.

Allele frequency attached by ClinVar (database versions not stated): gnomAD exomes below 0.00001; TOPMed below 0.00001; gnomAD 0.00001.
gnomAD v4.1: 2 of 1,614,064 alleles (0.00012%); no homozygotes.

Submission:

Labcorp Genetics (formerly Invitae), Labcorp
Classification: Uncertain significance for Inflammatory bowel disease 28. Last evaluated: 2021-03-05. Review status: criteria provided, single submitter. Criteria: Invitae Variant Classification Sherloc (09022015). Collection method: clinical testing. Allele origin: germline.
Comment: This variant has not been reported in the literature in individuals with IL10RA-related conditions. This sequence change replaces serine with proline at codon 467 of the IL10RA protein (p.Ser467Pro). The serine residue is weakly conserved and there is a moderate physicochemical difference between serine and proline. This variant is not present in population databases (ExAC no frequency). Algorithms developed to predict the effect of missense changes on protein structure and function output the following: SIFT: "Tolerated"; PolyPhen-2: "Benign"; Align-GVGD: "Class C0". The proline amino acid residue is found in multiple mammalian species, suggesting that this missense change does not adversely affect protein function. These predictions have not been confirmed by published functional studies and their clinical significance is uncertain. In summary, the available evidence is currently insufficient to determine the role of this variant in disease. Therefore, it has been classified as a Variant of Uncertain Significance.